The following is an entry in ClinVar:

NM_000141.5(FGFR2):c.1144T>C (p.Cys382Arg)

Gene: FGFR2 (fibroblast growth factor receptor 2; minus strand). Cytogenetic location: 10q26.13.
Variant type: single nucleotide variant.
Coding change: c.1144T>C on transcript NM_000141.5 (MANE Select); coding-DNA position 1144, T replaced by C.
Protein change: p.Cys382Arg; replaces cysteine 382 with arginine.
Molecular consequence: missense variant. On other transcripts: non-coding transcript variant (1), intron variant (1).
Genome position (GRCh38, 1-based): chr10:121,515,260, A>G on the plus strand (T>C on the coding strand, the complement: FGFR2 is on the minus strand). VCF-style: chr10-121515260-A-G. GRCh37 (hg19) VCF-style: chr10-123274774-A-G.
Other names: c.1147T>C, p.Cys383Arg (NM_022970.4, NM_001144913.1); c.877T>C, p.Cys293Arg (NM_023029.3, NM_001144915.2); c.939+4719T>C (NM_001144917.2); c.808T>C, p.Cys270Arg (NM_001144914.1); c.799T>C, p.Cys267Arg (NM_001144916.2, NM_001144918.2); c.880T>C, p.Cys294Arg (NM_001144919.2); c.460T>C, p.Cys154Arg (NM_001320654.2); c.1144T>C, p.Cys382Arg (NM_001320658.2); short protein forms C382R, C383R, C294R, C154R, C270R, C267R, C293R.
Identifiers: ClinVar variation 376431 (VCV000376431.8), dbSNP rs121913474, ClinGen allele CA16602866.

ClinVar aggregate classification (germline): Pathogenic. Review status: criteria provided, multiple submitters, no conflicts (2 of 4 stars). 3 submissions from 3 submitters: Pathogenic (3). Last evaluated 2026-08-12.
ClinVar aggregate classification (somatic clinical impact): Tier II - Potential (1 of 4 stars; one submission).
ClinVar aggregate classification (oncogenicity): Likely oncogenic. Review status: criteria provided, single submitter (1 of 4 stars). 2 submissions from 2 submitters. 1 of the submissions does not count toward it. Last evaluated 2025-12-29.

Conditions:
Beare-Stevenson cutis gyrata syndrome (BSTVS). Identifiers: Orphanet 1555, MedGen C1852406, MONDO:0007412, OMIM 123790.
Sialoblastoma. Identifiers: MedGen C1266145.
Adenoid cystic carcinoma. Also called: Adenocystic carcinoma. Identifiers: MedGen C0010606, MeSH D003528, MONDO:0004971.
Neoplasm. Also called: tumor; Neoplasms; Neoplasm (disease). Identifiers: MedGen C0027651, MeSH D009369, MONDO:0005070, HP:0002664.

Submissions (6):

GeneDx
Classification: Pathogenic. Last evaluated: 2026-08-12. Review status: criteria provided, single submitter. Criteria: GeneDx Variant Classification Process June 2021. Collection method: clinical testing. Allele origin: germline.
Comment: Mosaic variant present in affected tissue of patients with skin lesions in the literature, including papillomatous pedunculated sebaceous nevus, non-epidermolytic keratinocytic epidermal nevus, and rounded and velvety epidermal nevus (PMID: 27095246, 29701304, 36376059); Mosaic variant identified in additional tumor types, including ameloblastoma, thyroid cancer, adenoid cystic carcinoma, and uterine corpus endometrial carcinoma (PMID: 24993163, 28757314, 24859340, 29610392, 26619011); Not observed at significant frequency in large population cohorts (gnomAD); In silico analysis supports that this missense variant has a deleterious effect on protein structure/function; This variant is associated with the following publications: (PMID: 29701304, 24993163, 24859340, 28757314, 36376059, 29610392, 27368441, 27095246, 26619011)

Center for Genomic Medicine, Rigshospitalet, Copenhagen University Hospital
Classification: Likely oncogenic for Neoplasm. Last evaluated: 2025-12-29. Review status: criteria provided, single submitter. Criteria: ClinGen/CGC/VICC Guidelines for Oncogenicity, 2022. Collection method: clinical testing. Allele origin: somatic. Affected: yes.

Laboratoire de Génétique Moléculaire, CHU Bordeaux
Classification: Pathogenic for Beare-Stevenson cutis gyrata syndrome. Last evaluated: 2025-01-08. Review status: criteria provided, single submitter. Criteria: ACMG Guidelines, 2015. Collection method: clinical testing. Allele origin: germline. Affected: yes.

Clinical Genomics Laboratory, Washington University in St. Louis
Classification: Pathogenic. Last evaluated: 2024-10-23. Review status: criteria provided, single submitter. Criteria: Leon-Quintero et al. (Clin Genet. 2025). Collection method: clinical testing. Allele origin: somatic. Affected: yes.
Comment: An FGFR2 c.1144T>C (p.Cys382Arg) variant was identified at an allelic fraction consistent with somatic origin. This variant has been described in multiple individuals affected with epidermal and sebaceous nevi, and cholangiocarcinoma (Brandi G et al., PMID: 38326380; Gracia-Darder I et al., PMID: 36376059; Hempel L et al., PMID: 36188486; Kuentz P et al., PMID: 27095246; Tanaka R et al., PMID: 29701304; Theiler M et al., PMID: 33930231). This variant has been reported in the ClinVar database as likely pathogenic in a germline state by one submitter (ClinVar Variation ID: 376431), and it has also been reported in 32 cases in the cancer database COSMIC (Genomic Mutation ID: COSV60638681). The FGFR2 c.1144T>C (p.Cys382Arg) variant is absent from the general population (gnomAD v.4.1.0), indicating it is not a common variant. This variant resides within the transmembrane domain of FGFR2, which is defined as a critical functional domain (Brandi G et al., PMID: 38326380; Hempel L et al., PMID: 36188486; Nakamura I et al., PMID: 34272467; Li Y et al., PMID: 9136983). Computational predictors indicate that this variant is damaging, evidence that correlates with impact on FGFR2 function. Functional studies show that this variant leads to constitutive receptor activation, impaired differentiation, and increased transformation in two cell lines (Li Y et al., PMID: 9136983). Based on available information and an internally developed protocol informed by the ACMG/AMP guidelines for variant interpretation (Leon-Quintero FZ et al., PMID: 39434542), the FGFR2 c.1144T>C (p.Cys382Arg) variant is classified as pathogenic.

Institute for Genomic Medicine (IGM) Clinical Laboratory, Nationwide Children's Hospital
Classification: Tier II - Potential for Sialoblastoma. Assertion type: diagnostic. Clinical significance: supports diagnosis. Last evaluated: 2024-03-19. Review status: criteria provided, single submitter. Criteria: AMP/ASCO/CAP Guidelines, 2017. Collection method: clinical testing. Allele origin: somatic. Affected: yes.
Comment: Variant has Tier II (potential) clinical significance as a diagnostic inclusion criterion in Sialoblastoma, based on the following evidence: 1) Documented in one or more cancer databases (e.g., St. Jude Pecan, COSMIC, CIViC, OncoKB). 2) Information in the literature supports potential biologic effect of variant (PMID: 9136983). 3) Assists in diagnosis alone or along with other biomarkers based on small studies or few case reports (Evidence Level D; PMIDs: 26822149, 33926920, 35176457).

Genome Sciences Centre, British Columbia Cancer Agency
Classification: Uncertain significance for Adenoid cystic carcinoma. Last evaluated: 2024-11-13. Review status: no assertion criteria provided. Collection method: research. Allele origin: somatic. Affected: yes. Observed: 1 variant allele. Not counted in ClinVar's aggregate classification.

Literature cited by the submitters: PubMed 34272467 (cited by Center for Genomic Medicine, Rigshospitalet, Copenhagen University Hospital); PubMed 24993163 (cited by Center for Genomic Medicine, Rigshospitalet, Copenhagen University Hospital); PubMed 9136983 (cited by Institute for Genomic Medicine (IGM) Clinical Laboratory, Nationwide Children's Hospital); PubMed 26822149 (cited by Institute for Genomic Medicine (IGM) Clinical Laboratory, Nationwide Children's Hospital); PubMed 33926920 (cited by Institute for Genomic Medicine (IGM) Clinical Laboratory, Nationwide Children's Hospital); PubMed 35176457 (cited by Institute for Genomic Medicine (IGM) Clinical Laboratory, Nationwide Children's Hospital).